The following is an entry in ClinVar:

NM_004991.4(MECOM):c.1740T>G (p.Ser580Arg)

Gene: MECOM (MDS1 and EVI1 complex locus; minus strand). Cytogenetic location: 3q26.2.
Variant type: single nucleotide variant.
Coding change: c.1740T>G on transcript NM_004991.4 (MANE Select); coding-DNA position 1740, T replaced by G.
Protein change: p.Ser580Arg; replaces serine 580 with arginine.
Molecular consequence: missense variant. On other transcripts: intron variant (2).
Genome position (GRCh38, 1-based): chr3:169,116,132, A>C on the plus strand (T>G on the coding strand, the complement: MECOM is on the minus strand). VCF-style: chr3-169116132-A-C. GRCh37 (hg19) VCF-style: chr3-168833920-A-C.
Other names: c.1371T>G, p.Ser457Arg (NM_001105077.4); c.1176T>G, p.Ser392Arg (NM_001105078.4, NM_001164000.2, NM_001205194.2 and 4 more transcripts); c.1179T>G, p.Ser393Arg (NM_001163999.2, NM_001366467.2, NM_001366468.2 and 1 more transcripts); c.1740T>G, p.Ser580Arg (NM_001366466.2); c.1133-365T>G (NM_001366473.2); c.569-365T>G (NM_001366474.2); short protein forms S393R, S392R, S457R, S580R.
Identifiers: ClinVar variation 4053072 (VCV004053072.1).

ClinVar aggregate classification (germline): Uncertain significance (1 of 4 stars; one submission).

Conditions:
Inborn genetic diseases. Identifiers: MedGen C0950123, MeSH D030342.

gnomAD v4.1: 2 of 1,614,020 alleles (0.00012%); highest among the groups gnomAD compares: African/African-American, 0.0027%; no homozygotes.

Submission:

Ambry Genetics
Classification: Uncertain significance for Inborn genetic diseases. Last evaluated: 2025-03-17. Review status: criteria provided, single submitter. Criteria: Ambry Variant Classification Scheme 2023. Collection method: clinical testing. Allele origin: germline.
Comment: The p.S580R variant (also known as c.1740T>G), located in coding exon 8 of the MECOM gene, results from a T to G substitution at nucleotide position 1740. The serine at codon 580 is replaced by arginine, an amino acid with dissimilar properties. This amino acid position is conserved. In addition, the in silico prediction for this alteration is inconclusive. Based on the available evidence, the clinical significance of this variant remains unclear.